The following is an entry in ClinVar:

NM_001110556.2(FLNA):c.68C>T (p.Thr23Met)

Gene: FLNA (filamin A; minus strand). Cytogenetic location: Xq28.
Variant type: single nucleotide variant.
Coding change: c.68C>T on transcript NM_001110556.2 (MANE Select); coding-DNA position 68, C replaced by T.
Protein change: p.Thr23Met; replaces threonine 23 with methionine.
Molecular consequence: missense variant.
Genome position (GRCh38, 1-based): chrX:154,371,178, G>A on the plus strand (C>T on the coding strand, the complement: FLNA is on the minus strand). VCF-style: chrX-154371178-G-A. GRCh37 (hg19) VCF-style: chrX-153599546-G-A.
Other names: c.68C>T, p.Thr23Met (NM_001456.4); short protein forms T23M.
Identifiers: ClinVar variation 3755478 (VCV003755478.2).

ClinVar aggregate classification (germline): Uncertain significance (1 of 4 stars; one submission).

Conditions:
Melnick-Needles syndrome (MNS). Also called: MELNICK-NEEDLES OSTEODYSPLASTY; OSTEODYSPLASTY OF MELNICK AND NEEDLES; Melnick-Needles Syndrome (FLNA-MNS). Identifiers: Orphanet 2484, MedGen C0025237, MONDO:0010650, OMIM 309350.
Frontometaphyseal dysplasia (FMD1). Identifiers: Orphanet 1826, MedGen C0265293, MONDO:0015942.
Heterotopia, periventricular, X-linked dominant (PVNH1). Also called: PERIVENTRICULAR NODULAR HETEROTOPIA 1; X-linked periventricular heterotopia; PERIVENTRICULAR NODULAR HETEROTOPIA 4; HETEROTOPIA, PERIVENTRICULAR, 1. Identifiers: Orphanet 2149, Orphanet 82004, MedGen C1848213, MONDO:0010233, OMIM 300049.
Oto-palato-digital syndrome, type II (OPD2). Also called: FACIOPALATOOSSEOUS SYNDROME; OPD II SYNDROME; Otopalatodigital Syndrome, Type II; Otopalatodigital Syndrome Type 2 (FLNA-OPD2). Identifiers: Orphanet 669, Orphanet 90652, MedGen C1844696, MONDO:0010571, OMIM 304120.

gnomAD v4.1: 4 of 1,194,575 alleles (0.00033%); highest among the groups gnomAD compares: African/African-American, 0.0035%; no homozygotes.

Submission:

Labcorp Genetics (formerly Invitae), Labcorp
Classification: Uncertain significance for Oto-palato-digital syndrome, type II; Heterotopia, periventricular, X-linked dominant; Frontometaphyseal dysplasia; Melnick-Needles syndrome. Last evaluated: 2024-06-04. Review status: criteria provided, single submitter. Criteria: Invitae Variant Classification Sherloc (09022015). Collection method: clinical testing. Allele origin: germline.
Comment: This sequence change replaces threonine, which is neutral and polar, with methionine, which is neutral and non-polar, at codon 23 of the FLNA protein (p.Thr23Met). This variant is not present in population databases (gnomAD no frequency). This variant has not been reported in the literature in individuals affected with FLNA-related conditions. Advanced modeling of protein sequence and biophysical properties (such as structural, functional, and spatial information, amino acid conservation, physicochemical variation, residue mobility, and thermodynamic stability) performed at Invitae indicates that this missense variant is not expected to disrupt FLNA protein function with a negative predictive value of 95%. In summary, the available evidence is currently insufficient to determine the role of this variant in disease. Therefore, it has been classified as a Variant of Uncertain Significance.